The following is an entry in ClinVar:

ClinVar aggregate classification (germline): Uncertain significance (1 of 4 stars; one submission).

Conditions:
Congenital myotonia, autosomal dominant form (THD). Also called: THOMSEN DISEASE; Myotonia congenita autosomal dominant. Identifiers: Orphanet 614, MedGen C2936781, MONDO:0008055, OMIM 160800.
Congenital myotonia, autosomal recessive form. Also called: Becker Generalized Myotonia; myotonia congenita, autosomal recessive; BECKER DISEASE. Identifiers: Orphanet 614, MedGen C0751360, MONDO:0009715, OMIM 255700.

Submission:

Labcorp Genetics (formerly Invitae), Labcorp
Classification: Uncertain significance for Congenital myotonia, autosomal recessive form; Congenital myotonia, autosomal dominant form. Last evaluated: 2019-12-19. Review status: criteria provided, single submitter. Criteria: Invitae Variant Classification Sherloc (09022015). Collection method: clinical testing. Allele origin: germline.
Comment: This variant has not been reported in the literature in individuals with CLCN1-related conditions. Algorithms developed to predict the effect of missense changes on protein structure and function (SIFT, PolyPhen-2, Align-GVGD) all suggest that this variant is likely to be tolerated, but these predictions have not been confirmed by published functional studies and their clinical significance is uncertain. In summary, the available evidence is currently insufficient to determine the role of this variant in disease. Therefore, it has been classified as a Variant of Uncertain Significance. This variant is not present in population databases (ExAC no frequency). This sequence change replaces threonine with isoleucine at codon 735 of the CLCN1 protein (p.Thr735Ile). The threonine residue is weakly conserved and there is a moderate physicochemical difference between threonine and isoleucine.

NM_000083.3(CLCN1):c.2204C>T (p.Thr735Ile)

Gene: CLCN1 (chloride voltage-gated channel 1; plus strand). Cytogenetic location: 7q34.
Variant type: single nucleotide variant.
Coding change: c.2204C>T on transcript NM_000083.3 (MANE Select); coding-DNA position 2204, C replaced by T.
Protein change: p.Thr735Ile; replaces threonine 735 with isoleucine.
Molecular consequence: missense variant. On other transcripts: non-coding transcript variant (1).
Genome position (GRCh38, 1-based): chr7:143,346,171, C>T. VCF-style: chr7-143346171-C-T. GRCh37 (hg19) VCF-style: chr7-143043264-C-T.
Other names: short protein forms T735I.
Identifiers: ClinVar variation 838726 (VCV000838726.10), dbSNP rs1803237753, ClinGen allele CA369651140.